The following is an entry in ClinVar:

NM_006204.4(PDE6C):c.2036+1G>C

Gene: PDE6C (phosphodiesterase 6C; plus strand). Cytogenetic location: 10q23.33.
Variant type: single nucleotide variant.
Coding change: c.2036+1G>C on transcript NM_006204.4 (MANE Select); the canonical splice donor site of the intron after coding-DNA position 2036, G replaced by C.
Molecular consequence: splice donor variant.
Genome position (GRCh38, 1-based): chr10:93,655,861, G>C. VCF-style: chr10-93655861-G-C. GRCh37 (hg19) VCF-style: chr10-95415618-G-C.
Identifiers: ClinVar variation 2121954 (VCV002121954.4), dbSNP rs748592523, ClinGen allele CA377623181.

ClinVar aggregate classification (germline): Likely pathogenic (1 of 4 stars; one submission).

Submission:

Labcorp Genetics (formerly Invitae), Labcorp
Classification: Likely pathogenic. Last evaluated: 2024-02-24. Review status: criteria provided, single submitter. Criteria: Invitae Variant Classification Sherloc (09022015). Collection method: clinical testing. Allele origin: germline.
Comment: This sequence change affects a donor splice site in intron 16 of the PDE6C gene. It is expected to disrupt RNA splicing. Variants that disrupt the donor or acceptor splice site typically lead to a loss of protein function (PMID: 16199547), and loss-of-function variants in PDE6C are known to be pathogenic (PMID: 19887631, 23776498, 26103963, 30080950). This variant is not present in population databases (gnomAD no frequency). This variant has not been reported in the literature in individuals affected with PDE6C-related conditions. ClinVar contains an entry for this variant (Variation ID: 2121954). Algorithms developed to predict the effect of sequence changes on RNA splicing suggest that this variant may disrupt the consensus splice site. In summary, the currently available evidence indicates that the variant is pathogenic, but additional data are needed to prove that conclusively. Therefore, this variant has been classified as Likely Pathogenic.

Literature cited by the submitters: PubMed 16199547; PubMed 19887631; PubMed 23776498; PubMed 26103963; PubMed 30080950.